The following is an entry in ClinVar:

NM_006205.3(PDE6H):c.172A>G (p.Thr58Ala)

Gene: PDE6H (phosphodiesterase 6H; plus strand). Cytogenetic location: 12p12.3.
Variant type: single nucleotide variant.
Coding change: c.172A>G on transcript NM_006205.3 (MANE Select); coding-DNA position 172, A replaced by G.
Protein change: p.Thr58Ala; replaces threonine 58 with alanine.
Molecular consequence: missense variant.
Genome position (GRCh38, 1-based): chr12:14,979,216, A>G. VCF-style: chr12-14979216-A-G. GRCh37 (hg19) VCF-style: chr12-15132150-A-G.
Other names: short protein forms T58A.
Identifiers: ClinVar variation 1017792 (VCV001017792.9), dbSNP rs778468266, ClinGen allele CA6465882.
Genomic context (GRCh38, chr12:14,979,216, plus strand): 5'-TTCTCCTTTATTCTTTTCCATAGATTTGGAGATGACATTCCAGGAATGGAGGGGCTAGGA[A>G]CAGGTAAGCCATCCACTGATTTAAGTGAGAACTTCGCACTTGGAGTTCTGCCTTTTTATA-3'
Protein context (NP_006196.1, residues 48-68): DDIPGMEGLG[Thr58Ala]DITVICPWEA

ClinVar aggregate classification (germline): Uncertain significance (1 of 4 stars; one submission).

Allele frequency attached by ClinVar (database versions not stated): gnomAD 0.00001; gnomAD exomes 0.00001 and 0.00005; ExAC 0.00003; TOPMed 0.00003.
gnomAD v4.1: 20 of 1,605,438 alleles (0.0012%); highest among the groups gnomAD compares: Admixed American, 0.03%; no homozygotes.

Submission:

Labcorp Genetics (formerly Invitae), Labcorp
Classification: Uncertain significance. Last evaluated: 2022-12-06. Review status: criteria provided, single submitter. Criteria: Invitae Variant Classification Sherloc (09022015). Collection method: clinical testing. Allele origin: germline.
Comment: ClinVar contains an entry for this variant (Variation ID: 1017792). Algorithms developed to predict the effect of missense changes on protein structure and function (SIFT, PolyPhen-2, Align-GVGD) all suggest that this variant is likely to be tolerated. In summary, the available evidence is currently insufficient to determine the role of this variant in disease. Therefore, it has been classified as a Variant of Uncertain Significance. This variant has not been reported in the literature in individuals affected with PDE6H-related conditions. This sequence change replaces threonine, which is neutral and polar, with alanine, which is neutral and non-polar, at codon 58 of the PDE6H protein (p.Thr58Ala). This variant is present in population databases (rs778468266, gnomAD 0.04%).